The following is an entry in ClinVar:

NM_001195263.2(PDZD7):c.1450G>A (p.Gly484Arg)

Gene: PDZD7 (PDZ domain containing 7; minus strand). Cytogenetic location: 10q24.31.
Variant type: single nucleotide variant.
Coding change: c.1450G>A on transcript NM_001195263.2 (MANE Select); coding-DNA position 1450, G replaced by A.
Protein change: p.Gly484Arg; replaces glycine 484 with arginine.
Molecular consequence: missense variant.
Genome position (GRCh38, 1-based): chr10:101,018,171, C>T on the plus strand (G>A on the coding strand, the complement: PDZD7 is on the minus strand). VCF-style: chr10-101018171-C-T. GRCh37 (hg19) VCF-style: chr10-102777928-C-T.
Other names: c.1478G>A, p.Arg493Gln (NM_001351044.2); c.1450G>A, p.Gly484Arg (NM_024895.5); c.1450G>A (NM_001195263.1); short protein forms G484R, R493Q.
Identifiers: ClinVar variation 1369083 (VCV001369083.6), dbSNP rs186148212, ClinGen allele CA5654086.

ClinVar aggregate classification (germline): Uncertain significance. Review status: criteria provided, multiple submitters, no conflicts (2 of 4 stars). 2 submissions from 2 submitters: Uncertain significance (2). Last evaluated 2025-05-23.

Conditions:
Inborn genetic diseases. Identifiers: MedGen C0950123, MeSH D030342.

Allele frequency attached by ClinVar (database versions not stated): ExAC 0.00001; gnomAD 0.00001 and 0.00002; TOPMed 0.00003; 1000 Genomes Project 0.00020; 1000 Genomes Project 30x 0.00031.
gnomAD v4.1: 7 of 1,614,236 alleles (0.00043%); highest among the groups gnomAD compares: African/African-American, 0.0093%; no homozygotes.

Submissions (2):

Ambry Genetics
Classification: Uncertain significance for Inborn genetic diseases. Last evaluated: 2025-05-23. Review status: criteria provided, single submitter. Criteria: Ambry Variant Classification Scheme 2023. Collection method: clinical testing. Allele origin: germline.

Labcorp Genetics (formerly Invitae), Labcorp
Classification: Uncertain significance. Last evaluated: 2024-02-06. Review status: criteria provided, single submitter. Criteria: Invitae Variant Classification Sherloc (09022015). Collection method: clinical testing. Allele origin: germline.
Comment: This sequence change replaces glycine, which is neutral and non-polar, with arginine, which is basic and polar, at codon 484 of the PDZD7 protein (p.Gly484Arg). This variant is present in population databases (rs186148212, gnomAD 0.008%). This variant has not been reported in the literature in individuals affected with PDZD7-related conditions. ClinVar contains an entry for this variant (Variation ID: 1369083). Advanced modeling of protein sequence and biophysical properties (such as structural, functional, and spatial information, amino acid conservation, physicochemical variation, residue mobility, and thermodynamic stability) performed at Invitae indicates that this missense variant is not expected to disrupt PDZD7 protein function with a negative predictive value of 80%. In summary, the available evidence is currently insufficient to determine the role of this variant in disease. Therefore, it has been classified as a Variant of Uncertain Significance.